The following is an entry in ClinVar:

ClinVar aggregate classification (germline): Uncertain significance (1 of 4 stars; one submission).

Submission:

Ambry Genetics
Classification: Uncertain significance. Last evaluated: 2024-09-08. Review status: criteria provided, single submitter. Criteria: Ambry Variant Classification Scheme 2023. Collection method: clinical testing. Allele origin: germline.
Comment: The p.S573I variant (also known as c.1718G>T), located in coding exon 13 of the NPAT gene, results from a G to T substitution at nucleotide position 1718. The serine at codon 573 is replaced by isoleucine, an amino acid with dissimilar properties. This amino acid position is conserved. In addition, this alteration is predicted to be tolerated by in silico analysis. Based on the available evidence, the clinical significance of this variant remains unclear.

NM_002519.3(NPAT):c.1718G>T (p.Ser573Ile)

Gene: NPAT (nuclear protein, coactivator of histone transcription; minus strand). Cytogenetic location: 11q22.3.
Variant type: single nucleotide variant.
Coding change: c.1718G>T on transcript NM_002519.3 (MANE Select); coding-DNA position 1718, G replaced by T.
Protein change: p.Ser573Ile; replaces serine 573 with isoleucine.
Molecular consequence: missense variant.
Genome position (GRCh38, 1-based): chr11:108,173,266, C>A on the plus strand (G>T on the coding strand, the complement: NPAT is on the minus strand). VCF-style: chr11-108173266-C-A. GRCh37 (hg19) VCF-style: chr11-108043993-C-A.
Other names: c.1718G>T, p.Ser573Ile (NM_001321307.1); short protein forms S573I.
Identifiers: ClinVar variation 3407209 (VCV003407209.1).
Genomic context (GRCh38, chr11:108,173,266, plus strand): 5'-GATAGCTGTGACATAACTGGTTCTAACACATTAATTTCTATTTTACTCTTGTGAACTTCA[C>A]TAGAATCTGATGACTTGGAACCATGAAAATTAATTTTAAGTTTTACTGTATCATTAGAAT-3'
Protein context (NP_002510.2, residues 563-583): NFHGSKSSDS[Ser573Ile]EVHKSKIEIN